The following is an entry in ClinVar:

NM_001006658.3(CR2):c.67T>C (p.Cys23Arg)

Gene: CR2 (complement C3d receptor 2; plus strand). Cytogenetic location: 1q32.2.
Variant type: single nucleotide variant.
Coding change: c.67T>C on transcript NM_001006658.3 (MANE Select); coding-DNA position 67, T replaced by C.
Protein change: p.Cys23Arg; replaces cysteine 23 with arginine.
Molecular consequence: missense variant.
Genome position (GRCh38, 1-based): chr1:207,466,534, T>C. VCF-style: chr1-207466534-T-C. GRCh37 (hg19) VCF-style: chr1-207639879-T-C.
Other names: c.67T>C, p.Cys23Arg (NM_001877.5); short protein forms C23R.
Identifiers: ClinVar variation 1974277 (VCV001974277.4), dbSNP rs749326100, ClinGen allele CA1368361.

ClinVar aggregate classification (germline): Uncertain significance. Review status: criteria provided, multiple submitters, no conflicts (2 of 4 stars). 3 submissions from 3 submitters: Uncertain significance (3). Last evaluated 2023-04-11.

Conditions:
Immunodeficiency, common variable, 7. Identifiers: Orphanet 1572, Orphanet 696894, MedGen C3542922, MONDO:0013862, OMIM 614699.
Inborn genetic diseases. Identifiers: MedGen C0950123, MeSH D030342.

Allele frequency attached by ClinVar (database versions not stated): ExAC 0.00001; gnomAD exomes 0.00001; gnomAD 0.00001.
gnomAD v4.1: 13 of 1,613,992 alleles (0.00081%); highest among the groups gnomAD compares: Non-Finnish European, 0.00076%; no homozygotes.

Submissions (3):

Genome-Nilou Lab
Classification: Uncertain significance for Immunodeficiency, common variable, 7. Last evaluated: 2023-04-11. Review status: criteria provided, single submitter. Criteria: ACMG Guidelines, 2015. Collection method: clinical testing. Allele origin: germline. Affected: no.

Ambry Genetics
Classification: Uncertain significance for Inborn genetic diseases. Last evaluated: 2022-10-26. Review status: criteria provided, single submitter. Criteria: Ambry Variant Classification Scheme 2023. Collection method: clinical testing. Allele origin: germline.

Labcorp Genetics (formerly Invitae), Labcorp
Classification: Uncertain significance for Immunodeficiency, common variable, 7. Last evaluated: 2022-05-10. Review status: criteria provided, single submitter. Criteria: Invitae Variant Classification Sherloc (09022015). Collection method: clinical testing. Allele origin: germline.
Comment: This sequence change replaces cysteine, which is neutral and slightly polar, with arginine, which is basic and polar, at codon 23 of the CR2 protein (p.Cys23Arg). This variant is present in population databases (rs749326100, gnomAD 0.004%). This variant has not been reported in the literature in individuals affected with CR2-related conditions. Algorithms developed to predict the effect of missense changes on protein structure and function are either unavailable or do not agree on the potential impact of this missense change (SIFT: "Deleterious"; PolyPhen-2: "Probably Damaging"; Align-GVGD: "Class C0"). In summary, the available evidence is currently insufficient to determine the role of this variant in disease. Therefore, it has been classified as a Variant of Uncertain Significance.